The following is an entry in ClinVar:

ClinVar aggregate classification (germline): Conflicting classifications of pathogenicity. Review status: criteria provided, conflicting classifications (1 of 4 stars). 2 submissions from 2 submitters: Uncertain significance (1); Likely benign (1). Last evaluated 2026-07-09.

Conditions:
IFT81-related disorder. Also called: IFT81-related condition.

gnomAD v4.1: 7 of 1,215,960 alleles (0.00058%); highest among the groups gnomAD compares: East Asian, 0.017%; no homozygotes.

Submissions (2):

PreventionGenetics, part of Exact Sciences
Classification: Uncertain significance for IFT81-related condition. Last evaluated: 2026-07-09. Review status: criteria provided, single submitter. Criteria: ACMG Guidelines, 2015. Collection method: clinical testing. Allele origin: germline.
Comment: The IFT81 c.430-10A>C variant is predicted to interfere with splicing. To our knowledge, this variant has not been reported in the literature or in a large population database (gnomAD), indicating this variant is rare. Although we suspect that this variant may be benign, at this time, the clinical significance of this variant is uncertain due to the absence of conclusive functional and genetic evidence.

Labcorp Genetics (formerly Invitae), Labcorp
Classification: Likely benign. Last evaluated: 2022-09-27. Review status: criteria provided, single submitter. Criteria: Invitae Variant Classification Sherloc (09022015). Collection method: clinical testing. Allele origin: germline.

NM_014055.4(IFT81):c.430-10A>C

Gene: IFT81 (intraflagellar transport 81; plus strand). Cytogenetic location: 12q24.11.
Variant type: single nucleotide variant.
Coding change: c.430-10A>C on transcript NM_014055.4 (MANE Select); 10 bases into the intron before coding-DNA position 430, A replaced by C.
Molecular consequence: intron variant.
Genome position (GRCh38, 1-based): chr12:110,132,537, A>C. VCF-style: chr12-110132537-A-C. GRCh37 (hg19) VCF-style: chr12-110570342-A-C.
Other names: c.-337-10A>C (NM_001347948.2, NM_001347947.2); c.430-10A>C (NM_001143779.2, NM_031473.4, NM_001347946.2 and 1 more transcripts).
Identifiers: ClinVar variation 1629227 (VCV001629227.9), dbSNP rs906745834, ClinGen allele CA243924963.
Genomic context (GRCh38, chr12:110,132,537, plus strand): 5'-AAAGAAAGAAAGAAAGAAAACTCTACTGGATCTAGTTATTAGTTTATAATTTCTTAACTT[A>C]TTCTTCTAGTATGAAGAGTTAATGGAAGCCTTTAAAACTTTGCATAAAGAATATGAGCAG-3'